The following is an entry in ClinVar:

NM_015072.5(TTLL5):c.2837G>A (p.Cys946Tyr)

Gene: TTLL5 (tubulin tyrosine ligase like 5; plus strand). Cytogenetic location: 14q24.3.
Variant type: single nucleotide variant.
Coding change: c.2837G>A on transcript NM_015072.5 (MANE Select); coding-DNA position 2837, G replaced by A.
Protein change: p.Cys946Tyr; replaces cysteine 946 with tyrosine.
Molecular consequence: missense variant.
Genome position (GRCh38, 1-based): chr14:75,783,381, G>A. VCF-style: chr14-75783381-G-A. GRCh37 (hg19) VCF-style: chr14-76249724-G-A.
Other names: short protein forms C946Y.
Identifiers: ClinVar variation 1382461 (VCV001382461.8), dbSNP rs1175617813, ClinGen allele CA390472474.

ClinVar aggregate classification (germline): Uncertain significance (1 of 4 stars; one submission).

Submission:

Labcorp Genetics (formerly Invitae), Labcorp
Classification: Uncertain significance. Last evaluated: 2024-12-09. Review status: criteria provided, single submitter. Criteria: Invitae Variant Classification Sherloc (09022015). Collection method: clinical testing. Allele origin: germline.
Comment: This sequence change replaces cysteine, which is neutral and slightly polar, with tyrosine, which is neutral and polar, at codon 946 of the TTLL5 protein (p.Cys946Tyr). This variant is not present in population databases (gnomAD no frequency). This variant has not been reported in the literature in individuals affected with TTLL5-related conditions. ClinVar contains an entry for this variant (Variation ID: 1382461). Invitae Evidence Modeling of protein sequence and biophysical properties (such as structural, functional, and spatial information, amino acid conservation, physicochemical variation, residue mobility, and thermodynamic stability) indicates that this missense variant is not expected to disrupt TTLL5 protein function with a negative predictive value of 80%. In summary, the available evidence is currently insufficient to determine the role of this variant in disease. Therefore, it has been classified as a Variant of Uncertain Significance.